The following is an entry in ClinVar:

NM_017777.4(MKS1):c.1274-2A>C

Gene: MKS1 (MKS transition zone complex subunit 1; minus strand). Cytogenetic location: 17q22.
Variant type: single nucleotide variant.
Coding change: c.1274-2A>C on transcript NM_017777.4 (MANE Select); the canonical splice acceptor site of the intron before coding-DNA position 1274, A replaced by C.
Molecular consequence: splice acceptor variant. On other transcripts: intron variant (1).
Genome position (GRCh38, 1-based): chr17:58,207,220, T>G on the plus strand (A>C on the coding strand, the complement: MKS1 is on the minus strand). VCF-style: chr17-58207220-T-G. GRCh37 (hg19) VCF-style: chr17-56284581-T-G.
Other names: c.665-2A>C (NM_001321268.2); c.1273+674A>C (NM_001330397.2); c.1274-2A>C (NM_001321269.2).
Identifiers: ClinVar variation 1918431 (VCV001918431.6), dbSNP rs2509407984, ClinGen allele CA400325073.

ClinVar aggregate classification (germline): Likely pathogenic. Review status: criteria provided, multiple submitters, no conflicts (2 of 4 stars). 2 submissions from 2 submitters: Likely pathogenic (2). Last evaluated 2023-01-31.

Conditions:
Joubert syndrome. Also called: CEREBELLOPARENCHYMAL DISORDER IV; JOUBERT-BOLTSHAUSER SYNDROME; Familial aplasia of the vermis. Identifiers: Orphanet 475, MedGen C5979921, MONDO:0018772.
Meckel-Gruber syndrome. Also called: DYSENCEPHALIA SPLANCHNOCYSTICA; GRUBER SYNDROME; Dysencephalia splachnocystica. Identifiers: Orphanet 564, MedGen C0265215, MONDO:0018921.
Bardet-Biedl syndrome 13 (BBS13). Identifiers: Orphanet 110, MedGen C2673873, MONDO:0014441, OMIM 615990.

Submissions (2):

Baylor Genetics
Classification: Likely pathogenic for Bardet-Biedl syndrome 13. Last evaluated: 2023-01-31. Review status: criteria provided, single submitter. Criteria: ACMG Guidelines, 2015. Collection method: clinical testing. Allele origin: unknown.

Labcorp Genetics (formerly Invitae), Labcorp
Classification: Likely pathogenic for Joubert syndrome; Meckel-Gruber syndrome. Last evaluated: 2022-08-31. Review status: criteria provided, single submitter. Criteria: Invitae Variant Classification Sherloc (09022015). Collection method: clinical testing. Allele origin: germline.
Comment: This variant is not present in population databases (gnomAD no frequency). This variant has not been reported in the literature in individuals affected with MKS1-related conditions. Algorithms developed to predict the effect of sequence changes on RNA splicing suggest that this variant may disrupt the consensus splice site. In summary, the currently available evidence indicates that the variant is pathogenic, but additional data are needed to prove that conclusively. Therefore, this variant has been classified as Likely Pathogenic. This sequence change affects an acceptor splice site in intron 14 of the MKS1 gene. It is expected to disrupt RNA splicing. Variants that disrupt the donor or acceptor splice site typically lead to a loss of protein function (PMID: 16199547), and loss-of-function variants in MKS1 are known to be pathogenic (PMID: 19466712, 24886560, 26490104).

Literature cited by the submitters: PubMed 16199547 (cited by Labcorp Genetics (formerly Invitae), Labcorp); PubMed 19466712 (cited by Labcorp Genetics (formerly Invitae), Labcorp); PubMed 24886560 (cited by Labcorp Genetics (formerly Invitae), Labcorp); PubMed 26490104 (cited by Labcorp Genetics (formerly Invitae), Labcorp).